The following is an entry in ClinVar:

ClinVar aggregate classification (germline): Benign (1 of 4 stars; one submission).

Allele frequency attached by ClinVar (database versions not stated): 1000 Genomes Project 0.49221; 1000 Genomes Project 30x 0.49485; TOPMed 0.54551; gnomAD 0.55547 and 0.56197.
gnomAD v4.1: 84,352 of 152,088 alleles (55%); highest among the groups gnomAD compares: African/African-American, 62%; 23,629 homozygotes.

Submission:

GeneDx
Classification: Benign. Last evaluated: 2018-06-19. Review status: criteria provided, single submitter. Criteria: GeneDx Variant Classification (06012015). Collection method: clinical testing. Allele origin: germline. Affected: yes.
Comment: This variant is considered likely benign or benign based on one or more of the following criteria: it is a conservative change, it occurs at a poorly conserved position in the protein, it is predicted to be benign by multiple in silico algorithms, and/or has population frequency not consistent with disease.

NM_000350.3(ABCA4):c.4540-2169A>G

Gene: ABCA4 (ATP binding cassette subfamily A member 4; minus strand). Cytogenetic location: 1p22.1.
Variant type: single nucleotide variant.
Coding change: c.4540-2169A>G on transcript NM_000350.3 (MANE Select); 2169 bases into the intron before coding-DNA position 4540, A replaced by G.
Molecular consequence: intron variant.
Genome position (GRCh38, 1-based): chr1:94,027,217, T>C on the plus strand (A>G on the coding strand, the complement: ABCA4 is on the minus strand). VCF-style: chr1-94027217-T-C. GRCh37 (hg19) VCF-style: chr1-94492773-T-C.
Identifiers: ClinVar variation 680453 (VCV000680453.1), dbSNP rs3945204, ClinGen allele CA10733597.
Genomic context (GRCh38, chr1:94,027,217, plus strand): 5'-GTATAATAGTGAGGAAATGCAGAAGTGAAAGAAAATGGCAGGAACTGGCTTGCCTTTTTC[T>C]AGGACTTTGGCTGTTACATTTTGTCCAGGGACCAAGGACCAACACTACTGAAAATAAGTT-3'